The following is an entry in ClinVar:

NM_002354.3(EPCAM):c.547A>T (p.Ser183Cys)

Gene: EPCAM (epithelial cell adhesion molecule; plus strand). Cytogenetic location: 2p21.
Variant type: single nucleotide variant.
Coding change: c.547A>T on transcript NM_002354.3 (MANE Select); coding-DNA position 547, A replaced by T.
Protein change: p.Ser183Cys; replaces serine 183 with cysteine.
Molecular consequence: missense variant.
Genome position (GRCh38, 1-based): chr2:47,377,069, A>T. VCF-style: chr2-47377069-A-T. GRCh37 (hg19) VCF-style: chr2-47604208-A-T.
Other names: short protein forms S183C.
Identifiers: ClinVar variation 1747779 (VCV001747779.3), dbSNP rs1185433353, ClinGen allele CA346724056.

ClinVar aggregate classification (germline): Uncertain significance (1 of 4 stars; one submission).

Conditions:
Hereditary cancer-predisposing syndrome. Also called: Hereditary Cancer Syndrome; Hereditary neoplastic syndrome; Neoplastic Syndromes, Hereditary; Tumor predisposition. Identifiers: Orphanet 140162, MedGen C0027672, MeSH D009386, MONDO:0015356.

Allele frequency attached by ClinVar (database versions not stated): TOPMed below 0.00001; gnomAD 0.00001.
gnomAD v4.1: 3 of 1,601,448 alleles (0.00019%); highest among the groups gnomAD compares: Non-Finnish European, 0.00026%; no homozygotes.

Submission:

Ambry Genetics
Classification: Uncertain significance for Hereditary cancer-predisposing syndrome. Last evaluated: 2024-08-30. Review status: criteria provided, single submitter. Criteria: Ambry Variant Classification Scheme 2023. Collection method: clinical testing. Allele origin: germline.
Comment: The p.S183C variant (also known as c.547A>T), located in coding exon 5 of the EPCAM gene, results from an A to T substitution at nucleotide position 547. The serine at codon 183 is replaced by cysteine, an amino acid with dissimilar properties. This amino acid position is conserved. In addition, this alteration is predicted to be tolerated by in silico analysis. Since supporting evidence is limited at this time, the clinical significance of this alteration remains unclear.